The following is an entry in ClinVar:

NM_005228.5(EGFR):c.1153C>A (p.Pro385Thr)

Genes: EGFR (epidermal growth factor receptor; plus strand), LOC126860048 (P300/CBP strongly-dependent group 1 enhancer GRCh37_chr7:55223847-55225046; plus strand). Cytogenetic location: 7p11.2.
Variant type: single nucleotide variant.
Coding change: c.1153C>A on transcript NM_005228.5 (MANE Select); coding-DNA position 1153, C replaced by A.
Protein change: p.Pro385Thr; replaces proline 385 with threonine.
Molecular consequence: missense variant.
Genome position (GRCh38, 1-based): chr7:55,156,778, C>A. VCF-style: chr7-55156778-C-A. GRCh37 (hg19) VCF-style: chr7-55224471-C-A.
Other names: c.1018C>A, p.Pro340Thr (NM_001346897.2, NM_001346899.2); c.1153C>A, p.Pro385Thr (NM_001346898.2, NM_201282.2, NM_201283.2 and 1 more transcripts); c.994C>A, p.Pro332Thr (NM_001346900.2); c.352C>A, p.Pro118Thr (NM_001346941.2); short protein forms P332T, P340T, P118T, P385T.
Identifiers: ClinVar variation 1040317 (VCV001040317.9), dbSNP rs1785439744, ClinGen allele CA367578562.
Genomic context (GRCh38, chr7:55,156,778, plus strand): 5'-TAGAGATTGGTGATCAATAATCACCCTGTTGTTTGTTTCAGTGACTCCTTCACACATACT[C>A]CTCCTCTGGATCCACAGGAACTGGATATTCTGAAAACCGTAAAGGAAATCACAGGTTTGA-3'
Protein context (NP_005219.2, residues 375-395): AFRGDSFTHT[Pro385Thr]PLDPQELDIL

ClinVar aggregate classification (germline): Uncertain significance (1 of 4 stars; one submission).

Conditions:
EGFR-related lung cancer (EGFR). Identifiers: MedGen CN130014.

Submission:

Labcorp Genetics (formerly Invitae), Labcorp
Classification: Uncertain significance for EGFR-related lung cancer. Last evaluated: 2020-07-12. Review status: criteria provided, single submitter. Criteria: Invitae Variant Classification Sherloc (09022015). Collection method: clinical testing. Allele origin: germline.
Comment: In summary, the available evidence is currently insufficient to determine the role of this variant in disease. Therefore, it has been classified as a Variant of Uncertain Significance. Algorithms developed to predict the effect of missense changes on protein structure and function (SIFT, PolyPhen-2, Align-GVGD) all suggest that this variant is likely to be tolerated, but these predictions have not been confirmed by published functional studies and their clinical significance is uncertain. This variant has not been reported in the literature in individuals with EGFR-related conditions. This variant is not present in population databases (ExAC no frequency). This sequence change replaces proline with threonine at codon 385 of the EGFR protein (p.Pro385Thr). The proline residue is weakly conserved and there is a small physicochemical difference between proline and threonine.